The following is an entry in ClinVar:

ClinVar aggregate classification (germline): Uncertain significance (1 of 4 stars; one submission).

Conditions:
Baller-Gerold syndrome (BGS). Also called: CRANIOSYNOSTOSIS WITH RADIAL DEFECTS. Identifiers: Orphanet 1225, MedGen C0265308, MONDO:0009039, OMIM 218600.

Submission:

Labcorp Genetics (formerly Invitae), Labcorp
Classification: Uncertain significance for Baller-Gerold syndrome. Last evaluated: 2022-05-24. Review status: criteria provided, single submitter. Criteria: Invitae Variant Classification Sherloc (09022015). Collection method: clinical testing. Allele origin: germline.
Comment: In summary, the available evidence is currently insufficient to determine the role of this variant in disease. Therefore, it has been classified as a Variant of Uncertain Significance. Experimental studies and prediction algorithms are not available or were not evaluated, and the functional significance of this variant is currently unknown. This variant has not been reported in the literature in individuals affected with RECQL4-related conditions. This variant is not present in population databases (gnomAD no frequency). This sequence change replaces leucine, which is neutral and non-polar, with phenylalanine, which is neutral and non-polar, at codon 1100 of the RECQL4 protein (p.Leu1100Phe).

NM_004260.4(RECQL4):c.3298C>T (p.Leu1100Phe)

Gene: RECQL4 (RecQ like helicase 4; minus strand). Cytogenetic location: 8q24.3.
Variant type: single nucleotide variant.
Coding change: c.3298C>T on transcript NM_004260.4 (MANE Select); coding-DNA position 3298, C replaced by T.
Protein change: p.Leu1100Phe; replaces leucine 1100 with phenylalanine.
Molecular consequence: missense variant.
Genome position (GRCh38, 1-based): chr8:144,512,006, G>A on the plus strand (C>T on the coding strand, the complement: RECQL4 is on the minus strand). VCF-style: chr8-144512006-G-A. GRCh37 (hg19) VCF-style: chr8-145737389-G-A.
Other names: c.3004C>T, p.Leu1002Phe (NM_001413017.1); c.3100C>T, p.Leu1034Phe (NM_001413018.1); c.3373C>T, p.Leu1125Phe (NM_001413019.1); c.3202C>T, p.Leu1068Phe (NM_001413020.1); c.2227C>T, p.Leu743Phe (NM_001413021.1, NM_001413022.1, NM_001413024.1 and 4 more transcripts); c.2302C>T, p.Leu768Phe (NM_001413023.1); c.3169C>T, p.Leu1057Phe (NM_001413025.1); c.2161C>T, p.Leu721Phe (NM_001413027.1, NM_001413030.1, NM_001413032.1); and 9 more; short protein forms L1002F, L1056F, L1090F, L743F, L768F, L1057F, L733F, L746F.
Identifiers: ClinVar variation 2174535 (VCV002174535.4), dbSNP rs2537972914, ClinGen allele CA372668891.